The following is an entry in ClinVar:

NM_000553.6(WRN):c.3048G>C (p.Lys1016Asn)

Gene: WRN (WRN RecQ like helicase; plus strand). Cytogenetic location: 8p12.
Variant type: single nucleotide variant.
Coding change: c.3048G>C on transcript NM_000553.6 (MANE Select); coding-DNA position 3048, G replaced by C.
Protein change: p.Lys1016Asn; replaces lysine 1016 with asparagine.
Molecular consequence: missense variant.
Genome position (GRCh38, 1-based): chr8:31,141,510, G>C. VCF-style: chr8-31141510-G-C. GRCh37 (hg19) VCF-style: chr8-30999026-G-C.
Other names: short protein forms K1016N.
Identifiers: ClinVar variation 845874 (VCV000845874.6), dbSNP rs1419575801, ClinGen allele CA370922074.
Genomic context (GRCh38, chr8:31,141,510, plus strand): 5'-TCAATATCGCAGGCACAGTTTATTTGGCACTGGCAAGGATCAAACAGAGAGTTGGTGGAA[G>C]GCTTTTTCCCGTCAGCTGATCACTGAGGGATTCTTGGTAGAAGTTTCTCGGTATAACAAA-3'
Protein context (NP_000544.2, residues 1006-1026): TGKDQTESWW[Lys1016Asn]AFSRQLITEG

ClinVar aggregate classification (germline): Uncertain significance (1 of 4 stars; one submission).

Conditions:
Werner syndrome (WRN). Identifiers: Orphanet 902, MedGen C0043119, MONDO:0010196, OMIM 277700.

Allele frequency attached by ClinVar (database versions not stated): gnomAD exomes below 0.00001; gnomAD 0.00001; TOPMed 0.00001.
gnomAD v4.1: 8 of 1,613,994 alleles (0.0005%); highest among the groups gnomAD compares: Non-Finnish European, 0.00068%; no homozygotes.

Submission:

Labcorp Genetics (formerly Invitae), Labcorp
Classification: Uncertain significance for Werner syndrome. Last evaluated: 2025-04-29. Review status: criteria provided, single submitter. Criteria: Invitae Variant Classification Sherloc (09022015). Collection method: clinical testing. Allele origin: germline.
Comment: This sequence change replaces lysine, which is basic and polar, with asparagine, which is neutral and polar, at codon 1016 of the WRN protein (p.Lys1016Asn). This variant is present in population databases (no rsID available, gnomAD 0.007%). This variant has not been reported in the literature in individuals affected with WRN-related conditions. ClinVar contains an entry for this variant (Variation ID: 845874). An algorithm developed to predict the effect of missense changes on protein structure and function (PolyPhen-2) suggests that this variant is likely to be disruptive. In summary, the available evidence is currently insufficient to determine the role of this variant in disease. Therefore, it has been classified as a Variant of Uncertain Significance.